The following is an entry in ClinVar:

ClinVar aggregate classification (germline): Uncertain significance (1 of 4 stars; one submission).

Submission:

Labcorp Genetics (formerly Invitae), Labcorp
Classification: Uncertain significance. Last evaluated: 2022-05-06. Review status: criteria provided, single submitter. Criteria: Invitae Variant Classification Sherloc (09022015). Collection method: clinical testing. Allele origin: germline.
Comment: This sequence change replaces phenylalanine, which is neutral and non-polar, with leucine, which is neutral and non-polar, at codon 353 of the FNIP1 protein (p.Phe353Leu). This variant is not present in population databases (gnomAD no frequency). In summary, the available evidence is currently insufficient to determine the role of this variant in disease. Therefore, it has been classified as a Variant of Uncertain Significance. Algorithms developed to predict the effect of missense changes on protein structure and function are either unavailable or do not agree on the potential impact of this missense change (SIFT: "Tolerated"; PolyPhen-2: "Probably Damaging"; Align-GVGD: "Class C0"). This variant has not been reported in the literature in individuals affected with FNIP1-related conditions.

NM_133372.3(FNIP1):c.1059T>A (p.Phe353Leu)

Gene: FNIP1 (folliculin interacting protein 1; minus strand). Cytogenetic location: 5q31.1.
Variant type: single nucleotide variant.
Coding change: c.1059T>A on transcript NM_133372.3 (MANE Select); coding-DNA position 1059, T replaced by A.
Protein change: p.Phe353Leu; replaces phenylalanine 353 with leucine.
Molecular consequence: missense variant.
Genome position (GRCh38, 1-based): chr5:131,704,122, A>T on the plus strand (T>A on the coding strand, the complement: FNIP1 is on the minus strand). VCF-style: chr5-131704122-A-T. GRCh37 (hg19) VCF-style: chr5-131039815-A-T.
Other names: c.975T>A, p.Phe325Leu (NM_001008738.3); c.1059T>A, p.Phe353Leu (NM_001346113.2); c.924T>A, p.Phe308Leu (NM_001346114.2); short protein forms F308L, F353L, F325L.
Identifiers: ClinVar variation 1972977 (VCV001972977.5), dbSNP rs2532181750, ClinGen allele CA360799305.